The following is an entry in ClinVar:

NM_006904.7(PRKDC):c.8156C>T (p.Ala2719Val)

Gene: PRKDC (protein kinase, DNA-activated, catalytic subunit; minus strand). Cytogenetic location: 8q11.21.
Variant type: single nucleotide variant.
Coding change: c.8156C>T on transcript NM_006904.7 (MANE Select); coding-DNA position 8156, C replaced by T.
Protein change: p.Ala2719Val; replaces alanine 2719 with valine.
Molecular consequence: missense variant.
Genome position (GRCh38, 1-based): chr8:47,831,923, G>A on the plus strand (C>T on the coding strand, the complement: PRKDC is on the minus strand). VCF-style: chr8-47831923-G-A. GRCh37 (hg19) VCF-style: chr8-48744484-G-A.
Other names: c.8156C>T, p.Ala2719Val (NM_001081640.2); short protein forms A2719V.
Identifiers: ClinVar variation 853769 (VCV000853769.2), dbSNP rs1003852402, ClinGen allele CA176153577.
Genomic context (GRCh38, chr8:47,831,923, plus strand): 5'-AGCTTCTCCTGGTCCCTCATAAACCGTCTGCGCAGTCGTAGTAGGTCCGTCCGGCCGGCC[G>A]CACCTGGAGAGGGAAAGCAGGCCCAGTTACTCCCCGCCGCCCAGACACTTGGCTCTGCTG-3'
Protein context (NP_008835.5, residues 2709-2729): GDEVDNKVKG[Ala2719Val]AGRTDLLRLR

ClinVar aggregate classification (germline): Uncertain significance (1 of 4 stars; one submission).

Conditions:
Severe combined immunodeficiency due to DNA-PKcs deficiency. Also called: IMMUNODEFICIENCY 26 WITH NEUROLOGIC ABNORMALITIES; Immunodeficiency 26 with or without neurologic abnormalities. Identifiers: Orphanet 317425, MedGen C4014833, MONDO:0014423, OMIM 615966.

Allele frequency attached by ClinVar (database versions not stated): gnomAD exomes below 0.00001.
gnomAD v4.1: 2 of 1,610,130 alleles (0.00012%); highest among the groups gnomAD compares: South Asian, 0.0011%; no homozygotes.

Submission:

Labcorp Genetics (formerly Invitae), Labcorp
Classification: Uncertain significance for Severe combined immunodeficiency due to DNA-PKcs deficiency. Last evaluated: 2020-02-16. Review status: criteria provided, single submitter. Criteria: Invitae Variant Classification Sherloc (09022015). Collection method: clinical testing. Allele origin: germline.
Comment: This sequence change replaces alanine with valine at codon 2719 of the PRKDC protein (p.Ala2719Val). The alanine residue is weakly conserved and there is a small physicochemical difference between alanine and valine. This variant is not present in population databases (ExAC no frequency). This variant has not been reported in the literature in individuals with PRKDC-related conditions. Algorithms developed to predict the effect of missense changes on protein structure and function (SIFT, PolyPhen-2, Align-GVGD) all suggest that this variant is likely to be tolerated, but these predictions have not been confirmed by published functional studies and their clinical significance is uncertain. In summary, the available evidence is currently insufficient to determine the role of this variant in disease. Therefore, it has been classified as a Variant of Uncertain Significance.